The following is an entry in ClinVar:

NM_001563.4(IMPG1):c.572A>G (p.Asn191Ser)

Gene: IMPG1 (interphotoreceptor matrix proteoglycan 1; minus strand). Cytogenetic location: 6q14.1.
Variant type: single nucleotide variant.
Coding change: c.572A>G on transcript NM_001563.4 (MANE Select); coding-DNA position 572, A replaced by G.
Protein change: p.Asn191Ser; replaces asparagine 191 with serine.
Molecular consequence: missense variant.
Genome position (GRCh38, 1-based): chr6:76,022,210, T>C on the plus strand (A>G on the coding strand, the complement: IMPG1 is on the minus strand). VCF-style: chr6-76022210-T-C. GRCh37 (hg19) VCF-style: chr6-76731927-T-C.
Other names: c.338A>G, p.Asn113Ser (NM_001282368.2); c.572A>G (NM_001563.3); short protein forms N113S, N191S.
Identifiers: ClinVar variation 1082948 (VCV001082948.13), dbSNP rs200247788, ClinGen allele CA3898423.

ClinVar aggregate classification (germline): Benign/Likely benign. Review status: criteria provided, multiple submitters, no conflicts (2 of 4 stars). 5 submissions from 5 submitters: Benign (1); Likely benign (4). Last evaluated 2025-12-11.

Conditions:
Retinal dystrophy. Also called: Inherited retinal dystrophy. Identifiers: Orphanet 71862, MedGen C0854723, MeSH D058499, MONDO:0019118, HP:0000556.
IMPG1-related disorder. Also called: IMPG1-related condition.

Allele frequency attached by ClinVar (database versions not stated): gnomAD exomes 0.00006 and 0.00029; gnomAD 0.00008 and 0.00011; TOPMed 0.00009; ExAC 0.00024; 1000 Genomes Project 0.00080; 1000 Genomes Project 30x 0.00094.
gnomAD v4.1: 105 of 1,584,008 alleles (0.0066%); highest among the groups gnomAD compares: East Asian, 0.22%; no homozygotes.

Submissions (5):

PreventionGenetics, part of Exact Sciences
Classification: Likely benign for IMPG1-related condition. Last evaluated: 2025-12-11. Review status: criteria provided, single submitter. Criteria: ACMG Guidelines, 2015. Collection method: clinical testing. Allele origin: germline.
Comment: This variant is classified as likely benign based on ACMG/AMP sequence variant interpretation guidelines (Richards et al. 2015 PMID: 25741868, with internal and published modifications).

Labcorp Genetics (formerly Invitae), Labcorp
Classification: Likely benign. Last evaluated: 2025-10-27. Review status: criteria provided, single submitter. Criteria: Invitae Variant Classification Sherloc (09022015). Collection method: clinical testing. Allele origin: germline.

Blueprint Genetics
Classification: Likely benign. Last evaluated: 2024-10-04. Review status: criteria provided, single submitter. Criteria: ACMG Guidelines, 2015. Collection method: clinical testing. Allele origin: germline.

Dept Of Ophthalmology, Nagoya University
Classification: Benign for Retinal dystrophy. Last evaluated: 2023-10-01. Review status: criteria provided, single submitter. Criteria: Submitter's publication. Collection method: research. Allele origin: germline. Affected: yes.

Breakthrough Genomics
Classification: Likely benign. Review status: criteria provided, single submitter. Criteria: ACMG Guidelines, 2015. Collection method: not provided. Allele origin: germline. Inheritance: Autosomal dominant inheritance. Affected: yes.